The following is an entry in ClinVar:

ClinVar aggregate classification (germline): Pathogenic (1 of 4 stars; one submission).

Submission:

Labcorp Genetics (formerly Invitae), Labcorp
Classification: Pathogenic. Last evaluated: 2025-02-27. Review status: criteria provided, single submitter. Criteria: Invitae Variant Classification Sherloc (09022015). Collection method: clinical testing. Allele origin: germline.
Comment: This sequence change creates a premature translational stop signal (p.Val2348Leufs*28) in the KMT2A gene. It is expected to result in an absent or disrupted protein product. Loss-of-function variants in KMT2A are known to be pathogenic (PMID: 22795537, 25810209, 29574747). This variant is not present in population databases (gnomAD no frequency). This variant has not been reported in the literature in individuals affected with KMT2A-related conditions. For these reasons, this variant has been classified as Pathogenic.

Literature cited by the submitters: PubMed 22795537; PubMed 25810209; PubMed 29574747.

NM_001197104.2(KMT2A):c.7042del (p.Val2348fs)

Gene: KMT2A (lysine methyltransferase 2A; plus strand). Cytogenetic location: 11q23.3.
Variant type: Deletion.
Coding change: c.7042del on transcript NM_001197104.2 (MANE Select); coding-DNA position 7042, one base deleted (G; older notation c.7042delG).
Protein change: p.Val2348fs; shifts the reading frame from valine 2348.
Molecular consequence: frameshift variant.
Genome position (GRCh38, 1-based): chr11:118,502,934, G deleted. VCF-style (leftmost placement, unchanged base first): chr11-118502933-TG-T. GRCh37 (hg19) VCF-style: chr11-118373648-TG-T.
Other names: c.7132del, p.Val2378fs (NM_001412597.1); c.7033del, p.Val2345fs (NM_005933.4); short protein forms V2345fs, V2348fs, V2378fs.
Identifiers: ClinVar variation 4713557 (VCV004713557.1).